The following is an entry in ClinVar:

ClinVar aggregate classification (germline): Likely benign. Review status: criteria provided, multiple submitters, no conflicts (2 of 4 stars). 3 submissions from 3 submitters: Likely benign (2). 1 of the submissions does not count toward it. Last evaluated 2026-01-28.

Conditions:
NDUFA9-related disorder. Also called: NDUFA9-related condition.

Allele frequency attached by ClinVar (database versions not stated): 1000 Genomes Project 30x 0.00172; 1000 Genomes Project 0.00200; TOPMed 0.00233; ESP Exome Variant Server 0.00238.
gnomAD v4.1: 697 of 1,609,226 alleles (0.043%); highest among the groups gnomAD compares: African/African-American, 0.67%; 3 homozygotes.

Submissions (3):

Labcorp Genetics (formerly Invitae), Labcorp
Classification: Likely benign. Last evaluated: 2026-01-28. Review status: criteria provided, single submitter. Criteria: Invitae Variant Classification Sherloc (09022015). Collection method: clinical testing. Allele origin: germline.

CeGaT Center for Human Genetics Tuebingen
Classification: Likely benign. Last evaluated: 2023-01-01. Review status: criteria provided, single submitter. Criteria: CeGaT Center For Human Genetics Tuebingen Variant Classification Criteria Version 2. Collection method: clinical testing. Allele origin: germline. Affected: yes. Observed: 1 variant allele.
Comment: ENSG00000255639: BS2; NDUFA9: BS2

PreventionGenetics, part of Exact Sciences
Classification: Benign for NDUFA9-related condition. Last evaluated: 2021-09-01. Review status: no assertion criteria provided. Collection method: clinical testing. Allele origin: germline. Not counted in ClinVar's aggregate classification.
Comment: This variant is classified as benign based on ACMG/AMP sequence variant interpretation guidelines (Richards et al. 2015 PMID: 25741868, with internal and published modifications).

NM_005002.5(NDUFA9):c.224G>A (p.Arg75His)

Gene: NDUFA9 (NADH:ubiquinone oxidoreductase subunit A9; plus strand). Cytogenetic location: 12p13.32.
Variant type: single nucleotide variant.
Coding change: c.224G>A on transcript NM_005002.5 (MANE Select); coding-DNA position 224, G replaced by A.
Protein change: p.Arg75His; replaces arginine 75 with histidine.
Molecular consequence: missense variant.
Genome position (GRCh38, 1-based): chr12:4,654,828, G>A. VCF-style: chr12-4654828-G-A. GRCh37 (hg19) VCF-style: chr12-4763994-G-A.
Other names: short protein forms R75H.
Identifiers: ClinVar variation 214721 (VCV000214721.37), dbSNP rs35263902, ClinGen allele CA322055.